The following is an entry in ClinVar:

NM_017563.5(IL17RD):c.1433T>G (p.Val478Gly)

Genes: IL17RD (interleukin 17 receptor D; minus strand), LOC126806689 (BRD4-independent group 4 enhancer GRCh37_chr3:57131244-57132443; plus strand). Cytogenetic location: 3p14.3.
Variant type: single nucleotide variant.
Coding change: c.1433T>G on transcript NM_017563.5 (MANE Select); coding-DNA position 1433, T replaced by G.
Protein change: p.Val478Gly; replaces valine 478 with glycine.
Molecular consequence: missense variant.
Genome position (GRCh38, 1-based): chr3:57,098,270, A>C on the plus strand (T>G on the coding strand, the complement: IL17RD is on the minus strand). VCF-style: chr3-57098270-A-C. GRCh37 (hg19) VCF-style: chr3-57132298-A-C.
Other names: c.1001T>G, p.Val334Gly (NM_001318864.2); short protein forms V334G, V478G.
Identifiers: ClinVar variation 3363744 (VCV003363744.1).

ClinVar aggregate classification (germline): Uncertain significance (1 of 4 stars; one submission).

Submission:

GeneDx
Classification: Uncertain significance. Last evaluated: 2023-11-07. Review status: criteria provided, single submitter. Criteria: GeneDx Variant Classification Process June 2021. Collection method: clinical testing. Allele origin: germline. Affected: yes.
Comment: Not observed at significant frequency in large population cohorts (gnomAD); In silico analysis supports that this missense variant has a deleterious effect on protein structure/function; Has not been previously published as pathogenic or benign to our knowledge